The following is an entry in ClinVar:

ClinVar aggregate classification (germline): Uncertain significance (1 of 4 stars; one submission).

Conditions:
Severe combined immunodeficiency, autosomal recessive, T cell-negative, B cell-negative, NK cell-positive. Also called: SCID, T CELL-NEGATIVE, B CELL-NEGATIVE, NK CELL-POSITIVE; SCID, AR, T-cell negative, B-cell negative, NK cell-positive; Severe combined immunodeficiency due to complete RAG1/2 deficiency. Identifiers: Orphanet 331206, MedGen C1832322, MONDO:0011086, OMIM 601457.
Combined immunodeficiency with skin granulomas. Identifiers: Orphanet 157949, MedGen C2673536, MONDO:0009306, OMIM 233650.

Allele frequency attached by ClinVar (database versions not stated): gnomAD exomes below 0.00001 and 0.00001; ExAC 0.00002.

Submission:

Labcorp Genetics (formerly Invitae), Labcorp
Classification: Uncertain significance for Combined immunodeficiency with skin granulomas; Severe combined immunodeficiency, autosomal recessive, T cell-negative, B cell-negative, NK cell-positive. Last evaluated: 2021-08-27. Review status: criteria provided, single submitter. Criteria: Invitae Variant Classification Sherloc (09022015). Collection method: clinical testing. Allele origin: germline.
Comment: This sequence change replaces aspartic acid with histidine at codon 374 of the RAG2 protein (p.Asp374His). The aspartic acid residue is highly conserved and there is a moderate physicochemical difference between aspartic acid and histidine. This variant is present in population databases (rs772618891, ExAC 0.01%). This variant has not been reported in the literature in individuals affected with RAG2-related conditions. Algorithms developed to predict the effect of missense changes on protein structure and function (SIFT, PolyPhen-2, Align-GVGD) all suggest that this variant is likely to be disruptive. In summary, the available evidence is currently insufficient to determine the role of this variant in disease. Therefore, it has been classified as a Variant of Uncertain Significance.

NM_000536.4(RAG2):c.1120G>C (p.Asp374His)

Gene: RAG2 (recombination activating 2; minus strand). Cytogenetic location: 11p12.
Variant type: single nucleotide variant.
Coding change: c.1120G>C on transcript NM_000536.4 (MANE Select); coding-DNA position 1120, G replaced by C.
Protein change: p.Asp374His; replaces aspartic acid 374 with histidine.
Molecular consequence: missense variant.
Genome position (GRCh38, 1-based): chr11:36,593,049, C>G on the plus strand (G>C on the coding strand, the complement: RAG2 is on the minus strand). VCF-style: chr11-36593049-C-G. GRCh37 (hg19) VCF-style: chr11-36614599-C-G.
Other names: c.1120G>C, p.Asp374His (NM_001243785.2, NM_001243786.2); short protein forms D374H.
Identifiers: ClinVar variation 950952 (VCV000950952.6), dbSNP rs772618891, ClinGen allele CA5950472.
Genomic context (GRCh38, chr11:36,593,049, plus strand): 5'-CAAAACTATTTGCTTCTGCACTGAAACAAAATTCTTCAGAGTCTTCAAAGGGAGTGGAAT[C>G]CCCTGGATCTTCTGTTGATGTTTGACTGTTTGTGAATGTTGTCTGCTCTTCATTAGTATC-3'
Protein context (NP_000527.2, residues 364-384): NSQTSTEDPG[Asp374His]STPFEDSEEF